The following is an entry in ClinVar:

ClinVar aggregate classification (germline): Uncertain significance (1 of 4 stars; one submission).

Conditions:
Neurodevelopmental disorder with or without early-onset generalized epilepsy. Identifiers: MedGen C5436914, MONDO:0030930, OMIM 619157.

Submission:

Victorian Clinical Genetics Services, Murdoch Childrens Research Institute
Classification: Uncertain significance for Neurodevelopmental disorder with or without early-onset generalized epilepsy. Last evaluated: 2025-06-16. Review status: criteria provided, single submitter. Criteria: ACMG Guidelines, 2015. Collection method: clinical testing. Allele origin: germline. Affected: yes.
Comment: This variant is classified as VUS-3B. Evidence in support of pathogenic classification: Variant is present in gnomAD <0.001 for a dominant condition (v2: 1 heterozygote(s), 0 homozygote(s)). Additional information: Variant is predicted to result in a missense amino acid change from proline to serine; This variant is heterozygous; This gene is associated with autosomal dominant disease; This variant has no previous evidence of pathogenicity; No published segregation evidence has been identified for this variant; No published functional evidence has been identified for this variant; No comparable missense variants have previous evidence for pathogenicity; Variant is located in the annotated concanavalin A-like lectin/glucanases superfamily domain (DECIPHER); Missense variant with inconclusive in silico prediction and uninformative conservation; Loss of function is a known mechanism of disease in this gene and is associated with neurodevelopmental disorder with or without early-onset generalised epilepsy (MIM#619157); Inheritance information for this variant is not currently available in this individual.

NM_001385012.1(NBEA):c.736C>T (p.Pro246Ser)

Gene: NBEA (neurobeachin; plus strand). Cytogenetic location: 13q13.3.
Variant type: single nucleotide variant.
Coding change: c.736C>T on transcript NM_001385012.1 (MANE Select); coding-DNA position 736, C replaced by T.
Protein change: p.Pro246Ser; replaces proline 246 with serine.
Molecular consequence: missense variant.
Genome position (GRCh38, 1-based): chr13:35,048,575, C>T. VCF-style: chr13-35048575-C-T. GRCh37 (hg19) VCF-style: chr13-35622712-C-T.
Other names: c.736C>T, p.Pro246Ser (NM_001379245.1, NM_015678.5); short protein forms P246S.
Identifiers: ClinVar variation 4531451 (VCV004531451.1).